The following is an entry in ClinVar:

NM_002834.5(PTPN11):c.185A>G (p.Tyr62Cys)

Gene: PTPN11 (protein tyrosine phosphatase non-receptor type 11; plus strand). Cytogenetic location: 12q24.13.
Variant type: single nucleotide variant.
Coding change: c.185A>G on transcript NM_002834.5 (MANE Select); coding-DNA position 185, A replaced by G.
Protein change: p.Tyr62Cys; replaces tyrosine 62 with cysteine.
Molecular consequence: missense variant.
Genome position (GRCh38, 1-based): chr12:112,450,365, A>G. VCF-style: chr12-112450365-A-G. GRCh37 (hg19) VCF-style: chr12-112888169-A-G.
Other names: c.185A>G, p.Tyr62Cys (NM_001330437.2, NM_080601.3); c.182A>G, p.Tyr61Cys (NM_001374625.1); short protein forms Y62C, Y61C.
Identifiers: ClinVar variation 1781469 (VCV001781469.7), dbSNP rs1013419211, ClinGen allele CA243707919.
Genomic context (GRCh38, chr12:112,450,365, plus strand): 5'-TGGACTATTTTAGAAGAAATGGAGCTGTCACCCACATCAAGATTCAGAACACTGGTGATT[A>G]CTATGACCTGTATGGAGGGGAGAAATTTGCCACTTTGGCTGAGTTGGTCCAGTATTACAT-3'
Protein context (NP_002825.3, residues 52-72): THIKIQNTGD[Tyr62Cys]YDLYGGEKFA

ClinVar aggregate classification (germline): Uncertain significance. Review status: criteria provided, multiple submitters, no conflicts (2 of 4 stars). 2 submissions from 2 submitters: Uncertain significance (2). Last evaluated 2025-10-23.

Conditions:
Cardiovascular phenotype. Identifiers: MedGen CN230736.
RASopathy. Also called: rasopathies; Noonan spectrum disorder. Identifiers: Orphanet 536391, MedGen C5555857, MONDO:0021060.

Allele frequency attached by ClinVar (database versions not stated): TOPMed 0.00002; gnomAD 0.00003.
gnomAD v4.1: 10 of 1,613,146 alleles (0.00062%); highest among the groups gnomAD compares: African/African-American, 0.004%; no homozygotes.

Submissions (2):

Labcorp Genetics (formerly Invitae), Labcorp
Classification: Uncertain significance for RASopathy. Last evaluated: 2025-10-23. Review status: criteria provided, single submitter. Criteria: Invitae Variant Classification Sherloc (09022015). Collection method: clinical testing. Allele origin: germline.
Comment: This sequence change replaces tyrosine, which is neutral and polar, with cysteine, which is neutral and slightly polar, at codon 62 of the PTPN11 protein (p.Tyr62Cys). This variant is present in population databases (no rsID available, gnomAD 0.007%). This missense change has been observed in individual(s) with neuroblastoma (PMID: 15604238). ClinVar contains an entry for this variant (Variation ID: 1781469). Invitae Evidence Modeling of protein sequence and biophysical properties (such as structural, functional, and spatial information, amino acid conservation, physicochemical variation, residue mobility, and thermodynamic stability) has been performed for this missense variant. However, the output from this modeling did not meet the statistical confidence thresholds required to predict the impact of this variant on PTPN11 protein function. In summary, the available evidence is currently insufficient to determine the role of this variant in disease. Therefore, it has been classified as a Variant of Uncertain Significance.

Ambry Genetics
Classification: Uncertain significance for Cardiovascular phenotype. Last evaluated: 2024-03-22. Review status: criteria provided, single submitter. Criteria: Ambry Variant Classification Scheme 2023. Collection method: clinical testing. Allele origin: germline.
Comment: The p.Y62C variant (also known as c.185A>G), located in coding exon 3 of the PTPN11 gene, results from an A to G substitution at nucleotide position 185. The tyrosine at codon 62 is replaced by cysteine, an amino acid with highly dissimilar properties. This variant was detected in a neuroblastoma sample and non-tumor sample from the same individual; authors interpreted the variant as likely of germline origin; however, additional details were limited. A second paper reported this variant in association with Noonan syndrome (NS) but this report may overlap with the prior study (Kratz CP et al. Blood, 2005 Sep;106:2183-5). Functional studies of this variant have shown conflicting results (Bentires-Alj M et al. Cancer Res., 2004 Dec;64:8816-20; Martinelli S et al. J. Biol. Chem. 2012 Aug;287(32):27066-77). A different variant affecting this codon (p.Y62D, c.184T>G) has been reported in association with NS (Maheshwari M et al. Hum. Mutat., 2002 Oct;20:298-304). This amino acid position is highly conserved in available vertebrate species. In addition, this alteration is predicted to be deleterious by in silico analysis. Since supporting evidence is limited at this time, the clinical significance of this alteration remains unclear.

Literature cited by the submitters: PubMed 15604238 (cited by Labcorp Genetics (formerly Invitae), Labcorp and Ambry Genetics); PubMed 12325025 (cited by Ambry Genetics); PubMed 15928039 (cited by Ambry Genetics); PubMed 22711529 (cited by Ambry Genetics); PubMed 36496429 (cited by Ambry Genetics).